The following is an entry in ClinVar:

ClinVar aggregate classification (germline): Uncertain significance (1 of 4 stars; one submission).

Conditions:
Hereditary cancer-predisposing syndrome. Also called: Tumor predisposition; Hereditary Cancer Syndrome; Neoplastic Syndromes, Hereditary; Hereditary neoplastic syndrome. Identifiers: Orphanet 140162, MedGen C0027672, MeSH D009386, MONDO:0015356.

Submission:

Ambry Genetics
Classification: Uncertain significance for Hereditary cancer-predisposing syndrome. Last evaluated: 2021-06-22. Review status: criteria provided, single submitter. Criteria: Ambry Variant Classification Scheme 2023. Collection method: clinical testing. Allele origin: germline.
Comment: The p.D94Y variant (also known as c.280G>T), located in coding exon 2 of the MSH6 gene, results from a G to T substitution at nucleotide position 280. The aspartic acid at codon 94 is replaced by tyrosine, an amino acid with highly dissimilar properties. This amino acid position is well conserved in available vertebrate species. In addition, the in silico prediction for this alteration is inconclusive. Since supporting evidence is limited at this time, the clinical significance of this alteration remains unclear.

NM_000179.3(MSH6):c.280G>T (p.Asp94Tyr)

Gene: MSH6 (mutS homolog 6; plus strand). Cytogenetic location: 2p16.3.
Variant type: single nucleotide variant.
Coding change: c.280G>T on transcript NM_000179.3 (MANE Select); coding-DNA position 280, G replaced by T.
Protein change: p.Asp94Tyr; replaces aspartic acid 94 with tyrosine.
Molecular consequence: missense variant. On other transcripts: 5 prime UTR variant (2), intron variant (1).
Genome position (GRCh38, 1-based): chr2:47,790,946, G>T. VCF-style: chr2-47790946-G-T. GRCh37 (hg19) VCF-style: chr2-48018085-G-T.
Other names: c.-457G>T (NM_001281493.2, NM_001406811.1, NM_001406823.1 and 1 more transcripts); c.-623G>T (NM_001281494.2); c.376G>T, p.Asp126Tyr (NM_001406795.1, NM_001406802.1); c.280G>T, p.Asp94Tyr (NM_001406796.1, NM_001406798.1, NM_001406800.1 and 6 more transcripts); c.-18G>T (NM_001406797.1, NM_001406801.1, NM_001406805.1 and 10 more transcripts); c.202G>T, p.Asp68Tyr (NM_001406804.1); c.-649G>T (NM_001406807.1); c.-304G>T (NM_001406812.1); and 3 more; short protein forms D126Y, D68Y, D94Y, D38Y.
Identifiers: ClinVar variation 1796322 (VCV001796322.2), dbSNP rs1553410216, ClinGen allele CA346736570.